The following is an entry in ClinVar:

ClinVar aggregate classification (germline): Likely pathogenic (1 of 4 stars; one submission).

Submission:

Labcorp Genetics (formerly Invitae), Labcorp
Classification: Likely pathogenic. Last evaluated: 2025-10-23. Review status: criteria provided, single submitter. Criteria: Invitae Variant Classification Sherloc (09022015). Collection method: clinical testing. Allele origin: germline.
Comment: This sequence change affects a donor splice site in intron 3 of the SLC34A3 gene. It is expected to disrupt RNA splicing. Variants that disrupt the donor or acceptor splice site typically lead to a loss of protein function (PMID: 16199547), and loss-of-function variants in SLC34A3 are known to be pathogenic (PMID: 16358214, 16358215, 22159077). This variant is not present in population databases (gnomAD no frequency). Disruption of this splice site has been observed in individual(s) with clinical features of hereditary hypophosphatemic rickets with hypercalciuria (PMID: 24924704). Algorithms developed to predict the effect of sequence changes on RNA splicing suggest that this variant may disrupt the consensus splice site. In summary, the currently available evidence indicates that the variant is pathogenic, but additional data are needed to prove that conclusively. Therefore, this variant has been classified as Likely Pathogenic.

Literature cited by the submitters: PubMed 16199547; PubMed 16358214; PubMed 16358215; PubMed 22159077; PubMed 24924704.

NM_001177316.2(SLC34A3):c.175+1G>A

Gene: SLC34A3 (solute carrier family 34 member 3; plus strand). Cytogenetic location: 9q34.3.
Variant type: single nucleotide variant.
Coding change: c.175+1G>A on transcript NM_001177316.2 (MANE Select); the canonical splice donor site of the intron after coding-DNA position 175, G replaced by A.
Molecular consequence: splice donor variant.
Genome position (GRCh38, 1-based): chr9:137,232,162, G>A. VCF-style: chr9-137232162-G-A. GRCh37 (hg19) VCF-style: chr9-140126614-G-A.
Other names: c.175+1G>A (NM_001177317.2, NM_080877.3).
Identifiers: ClinVar variation 4762007 (VCV004762007.1).